The following is an entry in ClinVar:

ClinVar aggregate classification (germline): Uncertain significance (1 of 4 stars; one submission).

Conditions:
RFT1-congenital disorder of glycosylation (CDG1N). Also called: RFT1-CDG; CDG In; Congenital disorder of glycosylation type In. Identifiers: Orphanet 244310, MedGen C2677590, MONDO:0012783, OMIM 612015.

Allele frequency attached by ClinVar (database versions not stated): gnomAD exomes below 0.00001.
gnomAD v4.1: 1 of 1,614,114 alleles (0.000062%); highest among the groups gnomAD compares: Admixed American, 0.0017%; no homozygotes.

Submission:

Labcorp Genetics (formerly Invitae), Labcorp
Classification: Uncertain significance for RFT1-congenital disorder of glycosylation. Last evaluated: 2024-02-26. Review status: criteria provided, single submitter. Criteria: Invitae Variant Classification Sherloc (09022015). Collection method: clinical testing. Allele origin: germline.
Comment: This sequence change replaces serine, which is neutral and polar, with arginine, which is basic and polar, at codon 80 of the RFT1 protein (p.Ser80Arg). This variant is not present in population databases (gnomAD no frequency). This variant has not been reported in the literature in individuals affected with RFT1-related conditions. ClinVar contains an entry for this variant (Variation ID: 1391388). Advanced modeling of protein sequence and biophysical properties (such as structural, functional, and spatial information, amino acid conservation, physicochemical variation, residue mobility, and thermodynamic stability) performed at Invitae indicates that this missense variant is not expected to disrupt RFT1 protein function with a negative predictive value of 80%. In summary, the available evidence is currently insufficient to determine the role of this variant in disease. Therefore, it has been classified as a Variant of Uncertain Significance.

NM_052859.4(RFT1):c.240C>G (p.Ser80Arg)

Gene: RFT1 (RFT1 glycolipid translocator homolog; minus strand). Cytogenetic location: 3p21.1.
Variant type: single nucleotide variant.
Coding change: c.240C>G on transcript NM_052859.4 (MANE Select); coding-DNA position 240, C replaced by G.
Protein change: p.Ser80Arg; replaces serine 80 with arginine.
Molecular consequence: missense variant.
Genome position (GRCh38, 1-based): chr3:53,123,750, G>C on the plus strand (C>G on the coding strand, the complement: RFT1 is on the minus strand). VCF-style: chr3-53123750-G-C. GRCh37 (hg19) VCF-style: chr3-53157766-G-C.
Other names: short protein forms S80R.
Identifiers: ClinVar variation 1391388 (VCV001391388.8), dbSNP rs2107168045, ClinGen allele CA353222568.